The following is an entry in ClinVar:

ClinVar aggregate classification (germline): Likely pathogenic (1 of 4 stars; one submission).

Conditions:
Au-Kline syndrome. Also called: Neurodevelopmental disorder-craniofacial dysmorphism-cardiac defect-hip dysplasia syndrome due to a point mutation; Okamoto syndrome. Identifiers: Orphanet 2729, Orphanet 453499, Orphanet 453504, MedGen C4225274, MONDO:0014700, OMIM 616580.

Submission:

Baylor Genetics
Classification: Likely pathogenic for Au-Kline syndrome. Last evaluated: 2020-01-30. Review status: criteria provided, single submitter. Criteria: ACMG Guidelines, 2015. Collection method: clinical testing. Allele origin: unknown. Affected: yes.
Comment: This variant was determined to be likely pathogenic according to ACMG Guidelines, 2015 [PMID:25741868].

NM_031263.4(HNRNPK):c.645+1G>T

Genes: HNRNPK (heterogeneous nuclear ribonucleoprotein K; minus strand), HNRNPK-AS1 (HNRNPK antisense RNA 1; plus strand). Cytogenetic location: 9q21.32.
Variant type: single nucleotide variant.
Coding change: c.645+1G>T on transcript NM_031263.4 (MANE Select); the canonical splice donor site of the intron after coding-DNA position 645, G replaced by T.
Molecular consequence: splice donor variant.
Genome position (GRCh38, 1-based): chr9:83,972,843, C>A on the plus strand (G>T on the coding strand, the complement: HNRNPK is on the minus strand). VCF-style: chr9-83972843-C-A. GRCh37 (hg19) VCF-style: chr9-86587758-C-A.
Other names: c.645+1G>T (NM_031262.4, NM_002140.5, NM_001318188.2); c.573+1G>T (NM_001318186.2, NM_001318187.2).
Identifiers: ClinVar variation 1029562 (VCV001029562.1), dbSNP rs1956915416, ClinGen allele CA373926442.